The following is an entry in ClinVar:

ClinVar aggregate classification (germline): Pathogenic/Likely pathogenic. Review status: criteria provided, multiple submitters, no conflicts (2 of 4 stars). 5 submissions from 5 submitters: Pathogenic (3); Likely pathogenic (1). 1 of the submissions does not count toward it. Last evaluated 2025-06-12.

Conditions:
Familial thoracic aortic aneurysm and aortic dissection (TAAD). Also called: Thoracic aortic aneurysms and dissections. Identifiers: Orphanet 91387, MedGen C4707243, MONDO:0019625.
Marfan syndrome (MFS). Also called: FBN1-Related Marfan Syndrome; Marfan syndrome type 1; Marfan's syndrome; Marfan syndrome, classic; MARFAN SYNDROME, TYPE I. Identifiers: Orphanet 284963, Orphanet 558, MedGen C0024796, MONDO:0007947, OMIM 154700.

Submissions (5):

GeneDx
Classification: Pathogenic. Last evaluated: 2025-06-12. Review status: criteria provided, single submitter. Criteria: GeneDx Variant Classification Process June 2021. Collection method: clinical testing. Allele origin: germline. Affected: yes.
Comment: Not observed at significant frequency in large population cohorts (gnomAD); In silico analysis supports that this missense variant has a deleterious effect on protein structure/function; Published functional studies demonstrate a damaging effect via impaired binding to plasmin, thrombin, and cathepsins but results were conflicting showing increased and decreased susceptibility to proteolysis (PMID: 21784848, 10766875); This variant is associated with the following publications: (PMID: 11068200, 9401003, 11706995, 26281765, 21784848, 10766875, 8406497, 9887276, 15161917, 20591885)

Ambry Genetics
Classification: Likely pathogenic for Familial thoracic aortic aneurysm and aortic dissection. Last evaluated: 2025-03-25. Review status: criteria provided, single submitter. Criteria: Ambry Variant Classification Scheme 2023. Collection method: clinical testing. Allele origin: germline.
Comment: The p.N548I variant (also known as c.1643A>T), located in coding exon 13 of the FBN1 gene, results from an A to T substitution at nucleotide position 1643. The asparagine at codon 548 is replaced by isoleucine, an amino acid with dissimilar properties. This variant was identified in one or more individuals with features consistent with Marfan syndrome and segregated with disease in at least one family (Dietz HC et al. Genomics, 1993 Aug;17:468-75). This variant alters a conserved residue in the calcium-binding consensus sequence of a cbEGF domain and is expected to disrupt FBN1 function (Handford PA et al. Nature. 1991; 351(6322):164-7). This variant is considered to be rare based on population cohorts in the Genome Aggregation Database (gnomAD). This amino acid position is highly conserved in available vertebrate species. In addition, this alteration is predicted to be deleterious by in silico analysis. Based on the majority of available evidence to date, this variant is likely to be pathogenic.

Labcorp Genetics (formerly Invitae), Labcorp
Classification: Pathogenic for Marfan syndrome; Familial thoracic aortic aneurysm and aortic dissection. Last evaluated: 2023-04-20. Review status: criteria provided, single submitter. Criteria: Invitae Variant Classification Sherloc (09022015). Collection method: clinical testing. Allele origin: germline.
Comment: This sequence change replaces asparagine, which is neutral and polar, with isoleucine, which is neutral and non-polar, at codon 548 of the FBN1 protein (p.Asn548Ile). This variant is not present in population databases (gnomAD no frequency). This missense change has been observed in individual(s) with Marfan syndrome (PMID: 8406497). It has also been observed to segregate with disease in related individuals. This variant is also known as p.Asn351Ile. ClinVar contains an entry for this variant (Variation ID: 16432). Advanced modeling of protein sequence and biophysical properties (such as structural, functional, and spatial information, amino acid conservation, physicochemical variation, residue mobility, and thermodynamic stability) performed at Invitae indicates that this missense variant is expected to disrupt FBN1 protein function. Experimental studies have shown that this missense change affects FBN1 function (PMID: 21784848). For these reasons, this variant has been classified as Pathogenic.

Women's Health and Genetics/Laboratory Corporation of America, LabCorp
Classification: Pathogenic for Marfan Syndrome. Last evaluated: 2011-08-18. Review status: criteria provided, single submitter. Criteria: LabCorp Variant Classification Summary - May 2015. Collection method: curation, clinical testing. Allele origin: germline. Inheritance: autosomal dominant. Affected: yes. Observed: 10 variant alleles.
ClinVar note: Converted during submission from pathogenic to Pathogenic.

OMIM
Classification: Pathogenic for MARFAN SYNDROME. Last evaluated: 2000-04-21. Review status: no assertion criteria provided. Collection method: literature only. Allele origin: germline. Not counted in ClinVar's aggregate classification.

Literature cited by the submitters: PubMed 8406497 (cited by 3 submitters); PubMed 21784848 (cited by Labcorp Genetics (formerly Invitae), Labcorp); PubMed 11068200 (cited by Women's Health and Genetics/Laboratory Corporation of America, LabCorp); PubMed 10766875 (cited by Women's Health and Genetics/Laboratory Corporation of America, LabCorp and OMIM); PubMed 11706995 (cited by Women's Health and Genetics/Laboratory Corporation of America, LabCorp); PubMed 15161917 (cited by Women's Health and Genetics/Laboratory Corporation of America, LabCorp); PubMed 11880731 (cited by Women's Health and Genetics/Laboratory Corporation of America, LabCorp); PubMed 8791520 (cited by Women's Health and Genetics/Laboratory Corporation of America, LabCorp); PubMed 11143906 (cited by Women's Health and Genetics/Laboratory Corporation of America, LabCorp); PubMed 7611299 (cited by Women's Health and Genetics/Laboratory Corporation of America, LabCorp); PubMed 8541880 (cited by Women's Health and Genetics/Laboratory Corporation of America, LabCorp); PubMed 10942427 (cited by Women's Health and Genetics/Laboratory Corporation of America, LabCorp); PubMed 9887276 (cited by Women's Health and Genetics/Laboratory Corporation of America, LabCorp); PubMed 9401003 (cited by Women's Health and Genetics/Laboratory Corporation of America, LabCorp); PubMed 8353424 (cited by Women's Health and Genetics/Laboratory Corporation of America, LabCorp); PubMed 8180508 (cited by Women's Health and Genetics/Laboratory Corporation of America, LabCorp); PubMed 16571647 (cited by Women's Health and Genetics/Laboratory Corporation of America, LabCorp); PubMed 8111384 (cited by Women's Health and Genetics/Laboratory Corporation of America, LabCorp); PubMed 1569206 (cited by OMIM).

NM_000138.5(FBN1):c.1643A>T (p.Asn548Ile)

Gene: FBN1 (fibrillin 1; minus strand). Cytogenetic location: 15q21.1.
Variant type: single nucleotide variant.
Coding change: c.1643A>T on transcript NM_000138.5 (MANE Select); coding-DNA position 1643, A replaced by T.
Protein change: p.Asn548Ile; replaces asparagine 548 with isoleucine.
Molecular consequence: missense variant.
Genome position (GRCh38, 1-based): chr15:48,510,115, T>A on the plus strand (A>T on the coding strand, the complement: FBN1 is on the minus strand). VCF-style: chr15-48510115-T-A. GRCh37 (hg19) VCF-style: chr15-48802312-T-A.
Other names: short protein forms N548I.
Identifiers: ClinVar variation 16432 (VCV000016432.9), dbSNP rs137854462, ClinGen allele CA012380.